The following is an entry in ClinVar:

ClinVar aggregate classification (germline): Uncertain significance (1 of 4 stars; one submission).

Submission:

Labcorp Genetics (formerly Invitae), Labcorp
Classification: Uncertain significance. Last evaluated: 2024-11-22. Review status: criteria provided, single submitter. Criteria: Invitae Variant Classification Sherloc (09022015). Collection method: clinical testing. Allele origin: germline.
Comment: This sequence change replaces arginine, which is basic and polar, with serine, which is neutral and polar, at codon 3052 of the DCHS1 protein (p.Arg3052Ser). This variant is not present in population databases (gnomAD no frequency). This variant has not been reported in the literature in individuals affected with DCHS1-related conditions. Invitae Evidence Modeling of protein sequence and biophysical properties (such as structural, functional, and spatial information, amino acid conservation, physicochemical variation, residue mobility, and thermodynamic stability) indicates that this missense variant is not expected to disrupt DCHS1 protein function with a negative predictive value of 95%. In summary, the available evidence is currently insufficient to determine the role of this variant in disease. Therefore, it has been classified as a Variant of Uncertain Significance.

NM_003737.4(DCHS1):c.9154C>A (p.Arg3052Ser)

Genes: DCHS1 (dachsous cadherin-related 1; minus strand), LOC130005209 (ATAC-STARR-seq lymphoblastoid active region 4351; plus strand). Cytogenetic location: 11p15.4.
Variant type: single nucleotide variant.
Coding change: c.9154C>A on transcript NM_003737.4 (MANE Select); coding-DNA position 9154, C replaced by A.
Protein change: p.Arg3052Ser; replaces arginine 3052 with serine.
Molecular consequence: missense variant.
Genome position (GRCh38, 1-based): chr11:6,622,522, G>T on the plus strand (C>A on the coding strand, the complement: DCHS1 is on the minus strand). VCF-style: chr11-6622522-G-T. GRCh37 (hg19) VCF-style: chr11-6643753-G-T.
Other names: short protein forms R3052S.
Identifiers: ClinVar variation 3637863 (VCV003637863.2).